The following is an entry in ClinVar:

NM_001113378.2(FANCI):c.2833G>C (p.Glu945Gln)

Gene: FANCI (FA complementation group I; plus strand). Cytogenetic location: 15q26.1.
Variant type: single nucleotide variant.
Coding change: c.2833G>C on transcript NM_001113378.2 (MANE Select); coding-DNA position 2833, G replaced by C.
Protein change: p.Glu945Gln; replaces glutamic acid 945 with glutamine.
Molecular consequence: missense variant.
Genome position (GRCh38, 1-based): chr15:89,300,329, G>C. VCF-style: chr15-89300329-G-C. GRCh37 (hg19) VCF-style: chr15-89843560-G-C.
Other names: c.2554G>C, p.Glu852Gln (NM_001376910.1); c.2833G>C, p.Glu945Gln (NM_001376911.1); c.2653G>C, p.Glu885Gln (NM_018193.3); short protein forms E945Q, E885Q, E852Q.
Identifiers: ClinVar variation 435160 (VCV000435160.14), dbSNP rs142322239, ClinGen allele CA7723482.

ClinVar aggregate classification (germline): Uncertain significance. Review status: criteria provided, multiple submitters, no conflicts (2 of 4 stars). 4 submissions from 4 submitters: Uncertain significance (4). Last evaluated 2025-05-26.

Conditions:
Fanconi anemia (FA). Also called: Fanconi's anemia. Identifiers: Orphanet 84, MedGen C0015625, MeSH D005199, MONDO:0019391.
Fanconi anemia complementation group I (FANCI). Also called: FANCI-Related Fanconi Anemia. Identifiers: Orphanet 84, MedGen C1836861, MONDO:0012186, OMIM 609053.

Allele frequency attached by ClinVar (database versions not stated): ESP Exome Variant Server 0.00015; gnomAD exomes 0.00005 and 0.00007; gnomAD 0.00006; ExAC 0.00002; TOPMed 0.00009; 1000 Genomes Project 30x 0.00016.
gnomAD v4.1: 115 of 1,613,994 alleles (0.0071%); highest among the groups gnomAD compares: Non-Finnish European, 0.0088%; no homozygotes.

Submissions (4):

Dasa
Classification: Uncertain significance. Last evaluated: 2025-05-26. Review status: criteria provided, single submitter. Criteria: DASA Assertion Criteria. Collection method: clinical testing. Allele origin: germline.
Comment: NM_001113378.2(FANCI):c.2833G>C (p.Glu945Gln) is a missense variant that results in the substitution of glutamic acid with glutamine. This variant is rare in population databases. Computational prediction algorithms are consistent with a benign effect. The currently available literature and clinical evidence are not sufficient to establish a definitive association between this variant and the reported condition. Therefore, this variant is classified as a variant of uncertain significance.

Fulgent Genetics
Classification: Uncertain significance for Fanconi anemia complementation group I. Last evaluated: 2023-12-27. Review status: criteria provided, single submitter. Criteria: ACMG Guidelines, 2015. Collection method: clinical testing. Allele origin: germline.

Labcorp Genetics (formerly Invitae), Labcorp
Classification: Uncertain significance for Fanconi anemia. Last evaluated: 2022-07-29. Review status: criteria provided, single submitter. Criteria: Invitae Variant Classification Sherloc (09022015). Collection method: clinical testing. Allele origin: germline.
Comment: This sequence change replaces glutamic acid, which is acidic and polar, with glutamine, which is neutral and polar, at codon 945 of the FANCI protein (p.Glu945Gln). This variant is present in population databases (rs142322239, gnomAD 0.01%). This variant has not been reported in the literature in individuals affected with FANCI-related conditions. ClinVar contains an entry for this variant (Variation ID: 435160). Algorithms developed to predict the effect of missense changes on protein structure and function (SIFT, PolyPhen-2, Align-GVGD) all suggest that this variant is likely to be tolerated. In summary, the available evidence is currently insufficient to determine the role of this variant in disease. Therefore, it has been classified as a Variant of Uncertain Significance.

Genetic Services Laboratory, University of Chicago
Classification: Uncertain significance. Last evaluated: 2016-10-27. Review status: criteria provided, single submitter. Criteria: ACMG Guidelines, 2015. Collection method: clinical testing. Allele origin: germline. Affected: no.